The following is an entry in ClinVar:

NM_001267550.2(TTN):c.85790G>A (p.Trp28597Ter)

Genes: TTN-AS1 (TTN antisense RNA 1; plus strand), TTN (titin; minus strand). Cytogenetic location: 2q31.2.
Variant type: single nucleotide variant.
Coding change: c.85790G>A on transcript NM_001267550.2 (MANE Select); coding-DNA position 85790, G replaced by A.
Protein change: p.Trp28597Ter; replaces tryptophan 28597 with a stop codon.
Molecular consequence: nonsense.
Genome position (GRCh38, 1-based): chr2:178,560,342, C>T on the plus strand (G>A on the coding strand, the complement: TTN is on the minus strand). VCF-style: chr2-178560342-C-T. GRCh37 (hg19) VCF-style: chr2-179425069-C-T.
Other names: c.58595G>A, p.Trp19532Ter (NM_003319.4); c.78086G>A, p.Trp26029Ter (NM_133378.4); c.80867G>A, p.Trp26956Ter (NM_001256850.1); c.58970G>A, p.Trp19657Ter (NM_133432.3); c.59171G>A, p.Trp19724Ter (NM_133437.4); short protein forms W26956*, W19532*, W19657*, W19724*, W28597*, W26029*.
Identifiers: ClinVar variation 2943414 (VCV002943414.3), dbSNP rs2469653020, ClinGen allele CA349547917.

ClinVar aggregate classification (germline): Likely pathogenic (1 of 4 stars; one submission).

Conditions:
Dilated cardiomyopathy 1G (CMD1G). Identifiers: Orphanet 154, MedGen C1858763, MONDO:0011400, OMIM 604145.
Autosomal recessive limb-girdle muscular dystrophy type 2J (LGMDR10). Also called: MUSCULAR DYSTROPHY, LIMB-GIRDLE, AUTOSOMAL RECESSIVE 10; Limb-girdle muscular dystrophy, type 2J. Identifiers: Orphanet 140922, MedGen C1837342, MONDO:0012127, OMIM 608807.

Submission:

Labcorp Genetics (formerly Invitae), Labcorp
Classification: Likely pathogenic for Dilated cardiomyopathy 1G; Autosomal recessive limb-girdle muscular dystrophy type 2J. Last evaluated: 2023-01-19. Review status: criteria provided, single submitter. Criteria: Invitae Variant Classification Sherloc (09022015). Collection method: clinical testing. Allele origin: germline.
Comment: In summary, the currently available evidence indicates that the variant is pathogenic, but additional data are needed to prove that conclusively. Therefore, this variant has been classified as Likely Pathogenic. This variant is located in the A band of TTN (PMID: 25589632). Truncating variants in this region are significantly overrepresented in patients affected with dilated cardiomyopathy (PMID: 25589632). Truncating variants in this region have also been reported in individuals affected with autosomal recessive centronuclear myopathy (PMID: 23975875). This variant has not been reported in the literature in individuals affected with TTN-related conditions. This variant is not present in population databases (gnomAD no frequency). This sequence change creates a premature translational stop signal (p.Trp28597*) in the TTN gene. While this is not anticipated to result in nonsense mediated decay, it is expected to create a truncated TTN protein.

Literature cited by the submitters: PubMed 25589632; PubMed 23975875.